The following is an entry in ClinVar:

ClinVar aggregate classification (germline): Uncertain significance (1 of 4 stars; one submission).

gnomAD v4.1: 1 of 1,614,044 alleles (0.000062%); highest among the groups gnomAD compares: Non-Finnish European, 0.000085%; no homozygotes.

Submission:

Labcorp Genetics (formerly Invitae), Labcorp
Classification: Uncertain significance. Last evaluated: 2022-11-22. Review status: criteria provided, single submitter. Criteria: Invitae Variant Classification Sherloc (09022015). Collection method: clinical testing. Allele origin: germline.
Comment: This variant has not been reported in the literature in individuals affected with FAT4-related conditions. In summary, the available evidence is currently insufficient to determine the role of this variant in disease. Therefore, it has been classified as a Variant of Uncertain Significance. Advanced modeling of protein sequence and biophysical properties (such as structural, functional, and spatial information, amino acid conservation, physicochemical variation, residue mobility, and thermodynamic stability) performed at Invitae indicates that this missense variant is not expected to disrupt FAT4 protein function. ClinVar contains an entry for this variant (Variation ID: 1358530). This variant is not present in population databases (gnomAD no frequency). This sequence change replaces isoleucine, which is neutral and non-polar, with phenylalanine, which is neutral and non-polar, at codon 4789 of the FAT4 protein (p.Ile4789Phe).

NM_001291303.3(FAT4):c.14371A>T (p.Ile4791Phe)

Gene: FAT4 (FAT atypical cadherin 4; plus strand). Cytogenetic location: 4q28.1.
Variant type: single nucleotide variant.
Coding change: c.14371A>T on transcript NM_001291303.3 (MANE Select); coding-DNA position 14371, A replaced by T.
Protein change: p.Ile4791Phe; replaces isoleucine 4791 with phenylalanine.
Molecular consequence: missense variant.
Genome position (GRCh38, 1-based): chr4:125,491,187, A>T. VCF-style: chr4-125491187-A-T. GRCh37 (hg19) VCF-style: chr4-126412342-A-T.
Other names: c.14368A>T, p.Ile4790Phe (NM_001291285.3); c.14365A>T, p.Ile4789Phe (NM_024582.6); short protein forms I4789F, I4790F, I4791F.
Identifiers: ClinVar variation 1358530 (VCV001358530.8), dbSNP rs751534442, ClinGen allele CA358141957.